The following is an entry in ClinVar:

NM_001164508.2(NEB):c.22228C>T (p.Pro7410Ser)

Genes: NEB (nebulin; minus strand), RIF1 (replication timing regulatory factor 1; plus strand). Cytogenetic location: 2q23.3.
Variant type: single nucleotide variant.
Coding change: c.22228C>T on transcript NM_001164508.2 (MANE Select); coding-DNA position 22228, C replaced by T.
Protein change: p.Pro7410Ser; replaces proline 7410 with serine.
Molecular consequence: missense variant.
Genome position (GRCh38, 1-based): chr2:151,525,207, G>A on the plus strand (C>T on the coding strand, the complement: NEB is on the minus strand). VCF-style: chr2-151525207-G-A. GRCh37 (hg19) VCF-style: chr2-152381721-G-A.
Other names: c.22228C>T, p.Pro7410Ser (NM_001164507.2); c.22333C>T, p.Pro7445Ser (NM_001271208.2); c.17125C>T, p.Pro5709Ser (NM_004543.5); short protein forms P7445S, P7410S, P5709S.
Identifiers: ClinVar variation 2101160 (VCV002101160.1), dbSNP rs2552113508, ClinGen allele CA348765601.
Genomic context (GRCh38, chr2:151,525,207, plus strand): 5'-GAGAGGGAAAACTTACATCACTTTGCTTCTTGGCCACTTCCATAGCATGTTTCACCTCTG[G>A]TGGCTCCAGCATGATGGAGTAGTTGGATTTTCCTTTCTCCTTGACAAACTTCTTTTTGTA-3'
Protein context (NP_001157980.2, residues 7400-7420): KSNYSIMLEP[Pro7410Ser]EVKHAMEVAK

ClinVar aggregate classification (germline): Uncertain significance (1 of 4 stars; one submission).

Conditions:
Nemaline myopathy 2 (NEM2). Also called: Nemaline myopathy 2, autosomal recessive. Identifiers: MedGen C1850569, MONDO:0009725, OMIM 256030.

Allele frequency attached by ClinVar (database versions not stated): gnomAD exomes below 0.00001.
gnomAD v4.1: 1 of 1,613,956 alleles (0.000062%); highest among the groups gnomAD compares: Non-Finnish European, 0.000085%; no homozygotes.

Submission:

Labcorp Genetics (formerly Invitae), Labcorp
Classification: Uncertain significance for Nemaline myopathy 2. Last evaluated: 2022-02-21. Review status: criteria provided, single submitter. Criteria: Invitae Variant Classification Sherloc (09022015). Collection method: clinical testing. Allele origin: germline.
Comment: This sequence change replaces proline, which is neutral and non-polar, with serine, which is neutral and polar, at codon 7445 of the NEB protein (p.Pro7445Ser). This variant is not present in population databases (gnomAD no frequency). This variant has not been reported in the literature in individuals affected with NEB-related conditions. Algorithms developed to predict the effect of missense changes on protein structure and function are either unavailable or do not agree on the potential impact of this missense change (SIFT: "Deleterious"; PolyPhen-2: "Not Available"; Align-GVGD: "Class C0"). In summary, the available evidence is currently insufficient to determine the role of this variant in disease. Therefore, it has been classified as a Variant of Uncertain Significance.